The following is an entry in ClinVar:

ClinVar aggregate classification (germline): Uncertain significance (1 of 4 stars; one submission).

Conditions:
Arrhythmogenic right ventricular dysplasia 10. Also called: ARRHYTHMOGENIC RIGHT VENTRICULAR DYSPLASIA, FAMILIAL, 10; Arrhythmogenic right ventricular dysplasia/cardiomyopathy, type 10; Arrhythmogenic Right Ventricular Dysplasia/Cardiomyopathy10. Identifiers: MedGen C1857777, MONDO:0012434, OMIM 610193.

Submission:

Labcorp Genetics (formerly Invitae), Labcorp
Classification: Uncertain significance for Arrhythmogenic right ventricular dysplasia 10. Last evaluated: 2025-03-12. Review status: criteria provided, single submitter. Criteria: Invitae Variant Classification Sherloc (09022015). Collection method: clinical testing. Allele origin: germline.
Comment: This sequence change replaces serine, which is neutral and polar, with threonine, which is neutral and polar, at codon 559 of the DSG2 protein (p.Ser559Thr). This variant is not present in population databases (gnomAD no frequency). This variant has not been reported in the literature in individuals affected with DSG2-related conditions. ClinVar contains an entry for this variant (Variation ID: 570609). Invitae Evidence Modeling of protein sequence and biophysical properties (such as structural, functional, and spatial information, amino acid conservation, physicochemical variation, residue mobility, and thermodynamic stability) indicates that this missense variant is not expected to disrupt DSG2 protein function with a negative predictive value of 95%. In summary, the available evidence is currently insufficient to determine the role of this variant in disease. Therefore, it has been classified as a Variant of Uncertain Significance.

NM_001943.5(DSG2):c.1676G>C (p.Ser559Thr)

Gene: DSG2 (desmoglein 2; plus strand). Cytogenetic location: 18q12.1.
Variant type: single nucleotide variant.
Coding change: c.1676G>C on transcript NM_001943.5 (MANE Select); coding-DNA position 1676, G replaced by C.
Protein change: p.Ser559Thr; replaces serine 559 with threonine.
Molecular consequence: missense variant.
Genome position (GRCh38, 1-based): chr18:31,538,775, G>C. VCF-style: chr18-31538775-G-C. GRCh37 (hg19) VCF-style: chr18-29118738-G-C.
Other names: c.1676G>C (LRG_397t1); short protein forms S559T.
Identifiers: ClinVar variation 570609 (VCV000570609.7), dbSNP rs1254841751, ClinGen allele CA402136907.